The following is an entry in ClinVar:

ClinVar aggregate classification (germline): Uncertain significance (1 of 4 stars; one submission).

Allele frequency attached by ClinVar (database versions not stated): gnomAD 0.00001; gnomAD exomes 0.00001 and 0.00002; TOPMed 0.00002.
gnomAD v4.1: 10 of 1,613,616 alleles (0.00062%); highest among the groups gnomAD compares: Admixed American, 0.017%; no homozygotes.

Submission:

Labcorp Genetics (formerly Invitae), Labcorp
Classification: Uncertain significance. Last evaluated: 2024-11-23. Review status: criteria provided, single submitter. Criteria: Invitae Variant Classification Sherloc (09022015). Collection method: clinical testing. Allele origin: germline.
Comment: This sequence change replaces isoleucine, which is neutral and non-polar, with serine, which is neutral and polar, at codon 759 of the HMCN1 protein (p.Ile759Ser). This variant is present in population databases (no rsID available, gnomAD 0.01%). This variant has not been reported in the literature in individuals affected with HMCN1-related conditions. ClinVar contains an entry for this variant (Variation ID: 1518165). An algorithm developed to predict the effect of missense changes on protein structure and function (PolyPhen-2) suggests that this variant is likely to be disruptive. In summary, the available evidence is currently insufficient to determine the role of this variant in disease. Therefore, it has been classified as a Variant of Uncertain Significance.

NM_031935.3(HMCN1):c.2276T>G (p.Ile759Ser)

Gene: HMCN1 (hemicentin 1; plus strand). Cytogenetic location: 1q31.1.
Variant type: single nucleotide variant.
Coding change: c.2276T>G on transcript NM_031935.3 (MANE Select); coding-DNA position 2276, T replaced by G.
Protein change: p.Ile759Ser; replaces isoleucine 759 with serine.
Molecular consequence: missense variant.
Genome position (GRCh38, 1-based): chr1:185,970,398, T>G. VCF-style: chr1-185970398-T-G. GRCh37 (hg19) VCF-style: chr1-185939530-T-G.
Other names: short protein forms I759S.
Identifiers: ClinVar variation 1518165 (VCV001518165.6), dbSNP rs1005373074, ClinGen allele CA33461401.